The following is an entry in ClinVar:

NM_004453.4(ETFDH):c.360dup (p.Pro121fs)

Gene: ETFDH (electron transfer flavoprotein dehydrogenase; plus strand). Cytogenetic location: 4q32.1.
Variant type: Duplication.
Coding change: c.360dup on transcript NM_004453.4 (MANE Select); coding-DNA position 360, one base duplicated (T; older notation c.360dupT).
Protein change: p.Pro121fs; shifts the reading frame from proline 121.
Molecular consequence: frameshift variant.
Genome position (GRCh38, 1-based): chr4:158,682,379, T duplicated. VCF-style (leftmost placement, unchanged base first): chr4-158682378-A-AT. GRCh37 (hg19) VCF-style: chr4-159603530-A-AT.
Other names: c.219dup, p.Pro74fs (NM_001281737.2); c.177dup, p.Pro60fs (NM_001281738.1); short protein forms P121fs, P74fs, P60fs.
Identifiers: ClinVar variation 2734679 (VCV002734679.3), dbSNP rs2479080873, ClinGen allele CA2695203998.
Genomic context (GRCh38, chr4:158,682,378, plus strand): 5'-TGTGTCTAGTGGAGAAAGCTGCCCAGATAGGAGCTCATACTCTCTCAGGGGCTTGCCTTG[A>AT]TCCAGGTGCTTTTAAAGAACTCTTCCCAGACTGGAAAGAGAAGGGGGTATGAAAAATTGT-3'

ClinVar aggregate classification (germline): Pathogenic (1 of 4 stars; one submission).

Conditions:
Multiple acyl-CoA dehydrogenase deficiency (MADD). Also called: Glutaric Acidemia type 2; ETHYLMALONIC-ADIPICACIDURIA; GA II; Glutaric aciduria, type 2; Glutaric acidemia type II; GA 2. Identifiers: Orphanet 26791, MedGen C0268596, MONDO:0009282, OMIM 231680.

Submission:

Labcorp Genetics (formerly Invitae), Labcorp
Classification: Pathogenic for Multiple acyl-CoA dehydrogenase deficiency. Last evaluated: 2023-11-07. Review status: criteria provided, single submitter. Criteria: Invitae Variant Classification Sherloc (09022015). Collection method: clinical testing. Allele origin: germline.
Comment: This sequence change creates a premature translational stop signal (p.Pro121Serfs*5) in the ETFDH gene. It is expected to result in an absent or disrupted protein product. Loss-of-function variants in ETFDH are known to be pathogenic (PMID: 16510302, 23785301). This variant is not present in population databases (gnomAD no frequency). This premature translational stop signal has been observed in individual(s) with ETFDH-related conditions (PMID: 23628458, 28899466). This variant is also known as c.177insT (p.D59fs). Algorithms developed to predict the effect of sequence changes on RNA splicing suggest that this variant may disrupt the consensus splice site. For these reasons, this variant has been classified as Pathogenic.

Literature cited by the submitters: PubMed 16510302; PubMed 23785301; PubMed 23628458; PubMed 28899466.